The following is an entry in ClinVar:

NM_031433.4(MFRP):c.1427G>C (p.Gly476Ala)

Genes: C1QTNF5 (C1q and TNF related 5; minus strand), MFRP (membrane frizzled-related protein; minus strand). Cytogenetic location: 11q23.3.
Variant type: single nucleotide variant.
Coding change: c.1427G>C on transcript NM_031433.4 (MANE Select); coding-DNA position 1427, G replaced by C.
Protein change: p.Gly476Ala; replaces glycine 476 with alanine.
Molecular consequence: missense variant. On other transcripts: 5 prime UTR variant (1).
Genome position (GRCh38, 1-based): chr11:119,341,945, C>G on the plus strand (G>C on the coding strand, the complement: MFRP is on the minus strand). VCF-style: chr11-119341945-C-G. GRCh37 (hg19) VCF-style: chr11-119212655-C-G.
Other names: c.-1210G>C (NM_015645.5); short protein forms G476A.
Identifiers: ClinVar variation 2129235 (VCV002129235.4), dbSNP rs773764110, ClinGen allele CA6320105.

ClinVar aggregate classification (germline): Uncertain significance (1 of 4 stars; one submission).

Conditions:
Isolated microphthalmia 5. Also called: Posterior Microphthalmia with Retinitis Pigmentosa, Foveoschisis, and Optic Disc Drusen. Identifiers: Orphanet 251279, MedGen C1970236, MONDO:0012605, OMIM 611040.

Allele frequency attached by ClinVar (database versions not stated): gnomAD exomes below 0.00001; TOPMed 0.00002; ExAC 0.00001; gnomAD 0.00001.
gnomAD v4.1: 2 of 1,613,852 alleles (0.00012%); highest among the groups gnomAD compares: African/African-American, 0.0027%; no homozygotes.

Submission:

Labcorp Genetics (formerly Invitae), Labcorp
Classification: Uncertain significance for Isolated microphthalmia 5. Last evaluated: 2022-04-23. Review status: criteria provided, single submitter. Criteria: Invitae Variant Classification Sherloc (09022015). Collection method: clinical testing. Allele origin: germline.
Comment: In summary, the available evidence is currently insufficient to determine the role of this variant in disease. Therefore, it has been classified as a Variant of Uncertain Significance. Algorithms developed to predict the effect of missense changes on protein structure and function are either unavailable or do not agree on the potential impact of this missense change (SIFT: "Deleterious"; PolyPhen-2: "Probably Damaging"; Align-GVGD: "Class C0"). This variant has not been reported in the literature in individuals affected with MFRP-related conditions. This variant is present in population databases (rs773764110, gnomAD 0.01%). This sequence change replaces glycine, which is neutral and non-polar, with alanine, which is neutral and non-polar, at codon 476 of the MFRP protein (p.Gly476Ala).